The following is an entry in ClinVar:

ClinVar aggregate classification (germline): Uncertain significance (1 of 4 stars; one submission).

Conditions:
Baller-Gerold syndrome (BGS). Also called: CRANIOSYNOSTOSIS WITH RADIAL DEFECTS. Identifiers: Orphanet 1225, MedGen C0265308, MONDO:0009039, OMIM 218600.

gnomAD v4.1: 1 of 1,608,274 alleles (0.000062%); highest among the groups gnomAD compares: Non-Finnish European, 0.000085%; no homozygotes.

Submission:

Labcorp Genetics (formerly Invitae), Labcorp
Classification: Uncertain significance for Baller-Gerold syndrome. Last evaluated: 2023-06-04. Review status: criteria provided, single submitter. Criteria: Invitae Variant Classification Sherloc (09022015). Collection method: clinical testing. Allele origin: germline.
Comment: This variant is not present in population databases (gnomAD no frequency). This variant has not been reported in the literature in individuals affected with RECQL4-related conditions. Advanced modeling of protein sequence and biophysical properties (such as structural, functional, and spatial information, amino acid conservation, physicochemical variation, residue mobility, and thermodynamic stability) performed at Invitae indicates that this missense variant is expected to disrupt RECQL4 protein function. In summary, the available evidence is currently insufficient to determine the role of this variant in disease. Therefore, it has been classified as a Variant of Uncertain Significance. This sequence change replaces proline, which is neutral and non-polar, with threonine, which is neutral and polar, at codon 1087 of the RECQL4 protein (p.Pro1087Thr).

NM_004260.4(RECQL4):c.3259C>A (p.Pro1087Thr)

Gene: RECQL4 (RecQ like helicase 4; minus strand). Cytogenetic location: 8q24.3.
Variant type: single nucleotide variant.
Coding change: c.3259C>A on transcript NM_004260.4 (MANE Select); coding-DNA position 3259, C replaced by A.
Protein change: p.Pro1087Thr; replaces proline 1087 with threonine.
Molecular consequence: missense variant. On other transcripts: non-coding transcript variant (3).
Genome position (GRCh38, 1-based): chr8:144,512,045, G>T on the plus strand (C>A on the coding strand, the complement: RECQL4 is on the minus strand). VCF-style: chr8-144512045-G-T. GRCh37 (hg19) VCF-style: chr8-145737428-G-T.
Other names: c.2965C>A, p.Pro989Thr (NM_001413017.1); c.3061C>A, p.Pro1021Thr (NM_001413018.1); c.3334C>A, p.Pro1112Thr (NM_001413019.1); c.3163C>A, p.Pro1055Thr (NM_001413020.1); c.2188C>A, p.Pro730Thr (NM_001413021.1, NM_001413022.1, NM_001413024.1 and 4 more transcripts); c.2263C>A, p.Pro755Thr (NM_001413023.1); c.3130C>A, p.Pro1044Thr (NM_001413025.1); c.2122C>A, p.Pro708Thr (NM_001413027.1, NM_001413030.1, NM_001413032.1); and 9 more; short protein forms P1043T, P686T, P720T, P755T, P970T, P1021T, P1087T, P598T.
Identifiers: ClinVar variation 2765315 (VCV002765315.3), dbSNP rs768802673, ClinGen allele CA372669220.